The following is an entry in ClinVar:

ClinVar aggregate classification (germline): Uncertain significance (1 of 4 stars; one submission).

Conditions:
Long QT syndrome (LQTS). Identifiers: MedGen C0023976, MeSH D008133, MONDO:0002442. Disease mechanism: loss of function. Inheritance: Various modes of inheritance.

gnomAD v4.1: 13 of 1,457,292 alleles (0.00089%); highest among the groups gnomAD compares: African/African-American, 0.0015%; 1 homozygote.

Submission:

Labcorp Genetics (formerly Invitae), Labcorp
Classification: Uncertain significance for Long QT syndrome. Last evaluated: 2025-11-09. Review status: criteria provided, single submitter. Criteria: Invitae Variant Classification Sherloc (09022015). Collection method: clinical testing. Allele origin: germline.
Comment: This sequence change replaces alanine, which is neutral and non-polar, with threonine, which is neutral and polar, at codon 233 of the KCNH2 protein (p.Ala233Thr). This variant is not present in population databases (gnomAD no frequency). This variant has not been reported in the literature in individuals affected with KCNH2-related conditions. ClinVar contains an entry for this variant (Variation ID: 848897). An algorithm developed to predict the effect of missense changes on protein structure and function (PolyPhen-2) suggests that this variant is likely to be tolerated. In summary, the available evidence is currently insufficient to determine the role of this variant in disease. Therefore, it has been classified as a Variant of Uncertain Significance.

NM_000238.4(KCNH2):c.697G>A (p.Ala233Thr)

Gene: KCNH2 (potassium voltage-gated channel subfamily H member 2; minus strand). Cytogenetic location: 7q36.1.
Variant type: single nucleotide variant.
Coding change: c.697G>A on transcript NM_000238.4 (MANE Select); coding-DNA position 697, G replaced by A.
Protein change: p.Ala233Thr; replaces alanine 233 with threonine.
Molecular consequence: missense variant.
Genome position (GRCh38, 1-based): chr7:150,958,278, C>T on the plus strand (G>A on the coding strand, the complement: KCNH2 is on the minus strand). VCF-style: chr7-150958278-C-T. GRCh37 (hg19) VCF-style: chr7-150655366-C-T.
Other names: c.409G>A, p.Ala137Thr (NM_001406753.1, NM_001406756.1); c.520G>A, p.Ala174Thr (NM_001406755.1); c.397G>A, p.Ala133Thr (NM_001406757.1); c.697G>A, p.Ala233Thr (NM_172056.3); short protein forms A233T, A137T, A174T, A133T.
Identifiers: ClinVar variation 848897 (VCV000848897.7), dbSNP rs772037564, ClinGen allele CA369862798.
Genomic context (GRCh38, chr7:150,958,278, plus strand): 5'-CCCGGGGCGATGGGAGCTGGCCGGGCGCGCTGCGGGGCGGAGAGCCGGGACCCACCAGCG[C>T]ACGCCGCTCCTCCGCGGGCCCGAGCCCTGCCACGTGGTTGTCCATGGCTGTCACTTCGTC-3'
Protein context (NP_000229.1, residues 223-243): AGLGPAEERR[Ala233Thr]LVGPGSPPRS